The following is an entry in ClinVar:

NM_024675.4(PALB2):c.718C>A (p.Pro240Thr)

Gene: PALB2 (partner and localizer of BRCA2; minus strand). Cytogenetic location: 16p12.2.
Variant type: single nucleotide variant.
Coding change: c.718C>A on transcript NM_024675.4 (MANE Select); coding-DNA position 718, C replaced by A.
Protein change: p.Pro240Thr; replaces proline 240 with threonine.
Molecular consequence: missense variant.
Genome position (GRCh38, 1-based): chr16:23,635,828, G>T on the plus strand (C>A on the coding strand, the complement: PALB2 is on the minus strand). VCF-style: chr16-23635828-G-T. GRCh37 (hg19) VCF-style: chr16-23647149-G-T.
Other names: short protein forms P240T.
Identifiers: ClinVar variation 461019 (VCV000461019.25), dbSNP rs757567654, ClinGen allele CA7963768.

ClinVar aggregate classification (germline): Conflicting classifications of pathogenicity. Review status: criteria provided, conflicting classifications (1 of 4 stars). 6 submissions from 6 submitters: Uncertain significance (4); Likely benign (1). 1 of the submissions does not count toward it. Last evaluated 2026-01-26.

Conditions:
Hereditary cancer-predisposing syndrome. Also called: Neoplastic Syndromes, Hereditary; Hereditary Cancer Syndrome; Hereditary neoplastic syndrome; Tumor predisposition. Identifiers: Orphanet 140162, MedGen C0027672, MeSH D009386, MONDO:0015356.
Familial cancer of breast. Also called: hereditary breast carcinoma; Hereditary breast cancer; BREAST CANCER, FAMILIAL. Identifiers: Orphanet 227535, MedGen C0346153, MONDO:0016419, OMIM 114480. Disease mechanism: loss of function.
Fanconi anemia complementation group N. Also called: PALB2-Related Fanconi Anemia. Identifiers: Orphanet 84, MedGen C1835817, MONDO:0012565, OMIM 610832. Disease mechanism: loss of function.

Allele frequency attached by ClinVar (database versions not stated): gnomAD 0.00001; gnomAD exomes 0.00001; TOPMed 0.00001; ExAC 0.00002.
gnomAD v4.1: 10 of 1,614,126 alleles (0.00062%); highest among the groups gnomAD compares: East Asian, 0.022%; no homozygotes.

Submissions (6):

Labcorp Genetics (formerly Invitae), Labcorp
Classification: Uncertain significance for Familial cancer of breast. Last evaluated: 2026-01-26. Review status: criteria provided, single submitter. Criteria: Invitae Variant Classification Sherloc (09022015). Collection method: clinical testing. Allele origin: germline.
Comment: This sequence change replaces proline, which is neutral and non-polar, with threonine, which is neutral and polar, at codon 240 of the PALB2 protein (p.Pro240Thr). This variant is present in population databases (rs757567654, gnomAD 0.02%). This missense change has been observed in individual(s) with breast, ovarian and/or gastric cancer (PMID: 26411315, 30287823, 32426482). ClinVar contains an entry for this variant (Variation ID: 461019). An algorithm developed to predict the effect of missense changes on protein structure and function outputs the following: PolyPhen-2: "Benign". The threonine amino acid residue is found in multiple mammalian species, which suggests that this missense change does not adversely affect protein function. In summary, the available evidence is currently insufficient to determine the role of this variant in disease. Therefore, it has been classified as a Variant of Uncertain Significance.

Blueprint Genetics
Classification: Uncertain significance. Last evaluated: 2020-12-27. Review status: criteria provided, single submitter. Criteria: ACMG Guidelines, 2015. Collection method: clinical testing. Allele origin: germline.

Color Diagnostics, LLC DBA Color Health
Classification: Uncertain significance for Hereditary cancer-predisposing syndrome. Last evaluated: 2019-08-01. Review status: criteria provided, single submitter. Criteria: ACMG Guidelines, 2015. Collection method: clinical testing. Allele origin: germline.
Comment: This missense variant replaces proline with threonine at codon 240 of the PALB2 protein. Computational prediction tools and conservation analyses suggest that this variant may not impact the protein function. Computational splicing tools suggest that this variant may not impact RNA splicing. To our knowledge, functional studies have not been performed for this variant. This variant has been reported in an individual affected with breast and/or ovarian cancer (PMID: 26411315). This variant has been identified in 2/251152 chromosomes in the general population by the Genome Aggregation Database (gnomAD). Available evidence is insufficient to determine the role of this variant in disease conclusively. Therefore, this variant is classified as a Variant of Uncertain Significance.

Illumina Laboratory Services, Illumina
Classification: Uncertain significance for Fanconi anemia complementation group N. Last evaluated: 2018-01-13. Review status: criteria provided, single submitter. Criteria: ICSL Variant Classification Criteria 13 December 2019. Collection method: clinical testing. Allele origin: germline.

Ambry Genetics
Classification: Likely benign for Hereditary cancer-predisposing syndrome. Last evaluated: 2017-02-13. Review status: criteria provided, single submitter. Criteria: Ambry Variant Classification Scheme 2023. Collection method: clinical testing. Allele origin: germline.

Leiden Open Variation Database
Classification: Uncertain significance. Last evaluated: 2018-10-10. Review status: no assertion criteria provided. Collection method: curation. Allele origin: germline. Affected: yes. Not counted in ClinVar's aggregate classification.
Comment: Curators: Marc Tischkowitz, Arleen D. Auerbach. Submitter to LOVD: Yukihide Momozawa.

Literature cited by the submitters: PubMed 26411315 (cited by Labcorp Genetics (formerly Invitae), Labcorp); PubMed 30287823 (cited by Labcorp Genetics (formerly Invitae), Labcorp and Leiden Open Variation Database); PubMed 32426482 (cited by Labcorp Genetics (formerly Invitae), Labcorp).